The following is an entry in ClinVar:

NM_000179.3(MSH6):c.637del (p.Thr213fs)

Gene: MSH6 (mutS homolog 6; plus strand). Cytogenetic location: 2p16.3.
Variant type: Deletion.
Coding change: c.637del on transcript NM_000179.3 (MANE Select); coding-DNA position 637, one base deleted (A; older notation c.637delA).
Protein change: p.Thr213fs; shifts the reading frame from threonine 213.
Molecular consequence: frameshift variant. On other transcripts: 5 prime UTR variant (2).
Genome position (GRCh38, 1-based): chr2:47,798,620, A deleted; the last of 2 consecutive A bases (chr2:47,798,619-47,798,620); deleting either gives the same sequence. VCF-style (leftmost placement, unchanged base first): chr2-47798618-CA-C. GRCh37 (hg19) VCF-style: chr2-48025757-CA-C.
Other names: c.637delA, p.Thr213Leufs (NM_000179.2, NM_001406796.1, NM_001406798.1 and 5 more transcripts); c.247del, p.Thr83fs (NM_001281492.2); c.-270del (NM_001281493.2, NM_001281494.2); c.733delA, p.Thr245Leufs (NM_001406795.1, NM_001406802.1); c.340delA, p.Thr114Leufs (NM_001406797.1, NM_001406801.1, NM_001406805.1 and 10 more transcripts); c.112delA, p.Thr38Leufs (NM_001406799.1, NM_001406806.1, NM_001406807.1); c.559delA, p.Thr187Leufs (NM_001406804.1); c.-270delA (NM_001406811.1, NM_001406812.1, NM_001406814.1 and 4 more transcripts); and 3 more; short protein forms T83fs, T213fs.
Identifiers: ClinVar variation 1753163 (VCV001753163.3), dbSNP rs2530562874, ClinGen allele CA2580067192.

ClinVar aggregate classification (germline): Pathogenic. Review status: criteria provided, multiple submitters, no conflicts (2 of 4 stars). 2 submissions from 2 submitters: Pathogenic (2). Last evaluated 2023-10-24.

Conditions:
Hereditary cancer-predisposing syndrome. Also called: Neoplastic Syndromes, Hereditary; Tumor predisposition; Hereditary Cancer Syndrome; Hereditary neoplastic syndrome. Identifiers: Orphanet 140162, MedGen C0027672, MeSH D009386, MONDO:0015356.

Submissions (2):

GeneDx
Classification: Pathogenic. Last evaluated: 2023-10-24. Review status: criteria provided, single submitter. Criteria: GeneDx Variant Classification Process June 2021. Collection method: clinical testing. Allele origin: germline. Affected: yes.
Comment: Frameshift variant predicted to result in protein truncation or nonsense mediated decay in a gene for which loss of function is a known mechanism of disease; Not observed at significant frequency in large population cohorts (gnomAD); Truncating variants in this gene are considered pathogenic by a well-established clinical consortium and/or database; Has not been previously published as pathogenic or benign to our knowledge; This variant is associated with the following publications: (PMID: 32719484)

Ambry Genetics
Classification: Pathogenic for Hereditary cancer-predisposing syndrome. Last evaluated: 2022-05-14. Review status: criteria provided, single submitter. Criteria: Ambry Variant Classification Scheme 2023. Collection method: clinical testing. Allele origin: germline.
Comment: The c.637delA pathogenic mutation, located in coding exon 4 of the MSH6 gene, results from a deletion of one nucleotide at nucleotide position 637, causing a translational frameshift with a predicted alternate stop codon (p.T213Lfs*3). This alteration is expected to result in loss of function by premature protein truncation or nonsense-mediated mRNA decay. As such, this alteration is interpreted as a disease-causing mutation.